The following is an entry in ClinVar:

ClinVar aggregate classification (germline): Pathogenic. Review status: criteria provided, single submitter (1 of 4 stars). 2 submissions from 2 submitters: Pathogenic (1). 1 of the submissions does not count toward it. Last evaluated 2021-08-09.

Conditions:
Familial thoracic aortic aneurysm and aortic dissection (TAAD). Also called: Thoracic aortic aneurysms and dissections. Identifiers: Orphanet 91387, MedGen C4707243, MONDO:0019625.
FBN1-related disorder. Also called: FBN1-related disorders.

Submissions (2):

Ambry Genetics
Classification: Pathogenic for Familial thoracic aortic aneurysm and aortic dissection. Last evaluated: 2021-08-09. Review status: criteria provided, single submitter. Criteria: Ambry Variant Classification Scheme 2023. Collection method: clinical testing. Allele origin: germline.
Comment: The p.C1111* pathogenic mutation (also known as c.3333C>A), located in coding exon 26 of the FBN1 gene, results from a C to A substitution at nucleotide position 3333. This changes the amino acid from a cysteine to a stop codon within coding exon 26. This alteration is expected to result in loss of function by premature protein truncation or nonsense-mediated mRNA decay. As such, this alteration is interpreted as a disease-causing mutation.

PreventionGenetics, part of Exact Sciences
Classification: Likely pathogenic for FBN1-related condition. Last evaluated: 2024-06-12. Review status: no assertion criteria provided. Collection method: clinical testing. Allele origin: germline. Not counted in ClinVar's aggregate classification.
Comment: The FBN1 c.3333C>A variant is predicted to result in premature protein termination (p.Cys1111*). To our knowledge, this variant has not been reported in the literature or in a large population database, indicating this variant is rare. Nonsense variants in FBN1 are expected to be pathogenic. This variant is interpreted as likely pathogenic.

NM_000138.5(FBN1):c.3333C>A (p.Cys1111Ter)

Gene: FBN1 (fibrillin 1; minus strand). Cytogenetic location: 15q21.1.
Variant type: single nucleotide variant.
Coding change: c.3333C>A on transcript NM_000138.5 (MANE Select); coding-DNA position 3333, C replaced by A.
Protein change: p.Cys1111Ter; replaces cysteine 1111 with a stop codon.
Molecular consequence: nonsense.
Genome position (GRCh38, 1-based): chr15:48,488,117, G>T on the plus strand (C>A on the coding strand, the complement: FBN1 is on the minus strand). VCF-style: chr15-48488117-G-T. GRCh37 (hg19) VCF-style: chr15-48780314-G-T.
Other names: c.3333C>A, p.Cys1111Ter (NM_001406716.1); short protein forms C1111*.
Identifiers: ClinVar variation 1730326 (VCV001730326.3), dbSNP rs2505552383, ClinGen allele CA392326982.